The following is an entry in ClinVar:

ClinVar aggregate classification (germline): Uncertain significance (1 of 4 stars; one submission).

Conditions:
Inborn genetic diseases. Identifiers: MedGen C0950123, MeSH D030342.

Submission:

Ambry Genetics
Classification: Uncertain significance for Inborn genetic diseases. Last evaluated: 2025-05-05. Review status: criteria provided, single submitter. Criteria: Ambry Variant Classification Scheme 2023. Collection method: clinical testing. Allele origin: germline.
Comment: The p.F1373L variant (also known as c.4119T>G), located in coding exon 13 of the ASXL1 gene, results from a T to G substitution at nucleotide position 4119. The phenylalanine at codon 1373 is replaced by leucine, an amino acid with highly similar properties. This amino acid position is conserved. In addition, this alteration is predicted to be tolerated by in silico analysis. Based on the available evidence, the clinical significance of this variant remains unclear.

NM_015338.6(ASXL1):c.4119T>G (p.Phe1373Leu)

Gene: ASXL1 (ASXL transcriptional regulator 1; plus strand). Cytogenetic location: 20q11.21.
Variant type: single nucleotide variant.
Coding change: c.4119T>G on transcript NM_015338.6 (MANE Select); coding-DNA position 4119, T replaced by G.
Protein change: p.Phe1373Leu; replaces phenylalanine 1373 with leucine.
Molecular consequence: missense variant.
Genome position (GRCh38, 1-based): chr20:32,436,831, T>G. VCF-style: chr20-32436831-T-G. GRCh37 (hg19) VCF-style: chr20-31024634-T-G.
Other names: c.3936T>G, p.Phe1312Leu (NM_001363734.1); short protein forms F1373L, F1312L.
Identifiers: ClinVar variation 3956682 (VCV003956682.1).